The following is an entry in ClinVar:

ClinVar aggregate classification (germline): Pathogenic (1 of 4 stars; one submission).

Conditions:
Developmental and epileptic encephalopathy, 9 (DEE9). Also called: Early infantile epileptic encephalopathy 9; EPILEPSY, FEMALE-RESTRICTED, WITH MENTAL RETARDATION; PCDH19-Related X-Linked Female-Limited Epilepsy with Mental Retardation; JUBERG-HELLMAN SYNDROME. Identifiers: Orphanet 101039, Orphanet 2076, MedGen C1848137, MONDO:0010246, OMIM 300088. Disease mechanism: loss of function.

Submission:

Labcorp Genetics (formerly Invitae), Labcorp
Classification: Pathogenic for Developmental and epileptic encephalopathy, 9. Last evaluated: 2021-08-11. Review status: criteria provided, single submitter. Criteria: Invitae Variant Classification Sherloc (09022015). Collection method: clinical testing. Allele origin: germline.
Comment: For these reasons, this variant has been classified as Pathogenic. This variant has not been reported in the literature in individuals affected with PCDH19-related conditions. This variant is not present in population databases (ExAC no frequency). This sequence change creates a premature translational stop signal (p.His452Thrfs*117) in the PCDH19 gene. It is expected to result in an absent or disrupted protein product. Loss-of-function variants in PCDH19 are known to be pathogenic (PMID: 21053371).

Literature cited by the submitters: PubMed 21053371.

NM_001184880.2(PCDH19):c.1353del (p.His452fs)

Gene: PCDH19 (protocadherin 19; minus strand). Cytogenetic location: Xq22.1.
Variant type: Deletion.
Coding change: c.1353del on transcript NM_001184880.2 (MANE Select); coding-DNA position 1353, one base deleted (G; older notation c.1353delG).
Protein change: p.His452fs; shifts the reading frame from histidine 452.
Molecular consequence: frameshift variant.
Genome position (GRCh38, 1-based): chrX:100,407,245, C deleted on the plus strand (G on the coding strand, the reverse complement: PCDH19 is on the minus strand). VCF-style (leftmost placement, unchanged base first): chrX-100407244-GC-G. GRCh37 (hg19) VCF-style: chrX-99662242-GC-G.
Other names: c.1353del, p.His452fs (NM_001105243.2, NM_020766.3); short protein forms H452fs.
Identifiers: ClinVar variation 1455572 (VCV001455572.6), dbSNP rs2147539018, ClinGen allele CA2573159042.